The following is an entry in ClinVar:

NM_000487.6(ARSA):c.362G>A (p.Gly121Glu)

Gene: ARSA (arylsulfatase A; minus strand). Cytogenetic location: 22q13.33.
Variant type: single nucleotide variant.
Coding change: c.362G>A on transcript NM_000487.6 (MANE Select); coding-DNA position 362, G replaced by A.
Protein change: p.Gly121Glu; replaces glycine 121 with glutamic acid.
Molecular consequence: missense variant.
Genome position (GRCh38, 1-based): chr22:50,627,269, C>T on the plus strand (G>A on the coding strand, the complement: ARSA is on the minus strand). VCF-style: chr22-50627269-C-T. GRCh37 (hg19) VCF-style: chr22-51065697-C-T.
Other names: c.362G>A, p.Gly121Glu (NM_001085425.3, NM_001085426.3, NM_001085427.3); c.104G>A, p.Gly35Glu (NM_001085428.3, NM_001362782.2); short protein forms G121E, G35E.
Identifiers: ClinVar variation 3067910 (VCV003067910.2), dbSNP rs2518333963, ClinGen allele CA412180850.

ClinVar aggregate classification (germline): Uncertain significance. Review status: criteria provided, single submitter (1 of 4 stars). 2 submissions from 2 submitters: Uncertain significance (1). 1 of the submissions does not count toward it. Last evaluated 2024-04-04.

Conditions:
Metachromatic leukodystrophy (MLD). Also called: CEREBROSIDE SULFATASE DEFICIENCY; ARSA DEFICIENCY; METACHROMATIC LEUKOENCEPHALOPATHY; SULFATIDE LIPIDOSIS; Cerebral sclerosis diffuse metachromatic form; Arylsulfatase A Deficiency. Identifiers: Orphanet 512, MedGen C0023522, MONDO:0018868, OMIM 250100.

Submissions (2):

Genomic Medicine Center of Excellence, King Faisal Specialist Hospital and Research Centre
Classification: Uncertain significance for Metachromatic leukodystrophy. Last evaluated: 2024-04-04. Review status: criteria provided, single submitter. Criteria: ACMG Guidelines, 2015. Collection method: clinical testing. Allele origin: germline.

Laboratory of Experimental Gene Therapy of Hereditary Metabolic Diseases, Research Centre for Medical Genetics
Classification: Likely pathogenic for Metachromatic leukodystrophy. Last evaluated: 2026-04-08. Review status: no assertion criteria provided. Collection method: clinical testing. Allele origin: germline. Affected: yes. Observed: 1 variant allele. Not counted in ClinVar's aggregate classification.
Comment: PM2, PP3, PM1, PP2, PM3, PP4